The following is an entry in ClinVar:

NM_004564.3(GATB):c.99G>A (p.Gly33=)

Genes: GATB (glutamyl-tRNA amidotransferase subunit B; minus strand), LOC129993225 (ATAC-STARR-seq lymphoblastoid active region 22022; plus strand). Cytogenetic location: 4q31.3.
Variant type: single nucleotide variant.
Coding change: c.99G>A on transcript NM_004564.3 (MANE Select); coding-DNA position 99, G replaced by A.
Protein change: p.Gly33=; no amino-acid change (glycine 33 retained).
Molecular consequence: synonymous variant.
Genome position (GRCh38, 1-based): chr4:151,760,884, C>T on the plus strand (G>A on the coding strand, the complement: GATB is on the minus strand). VCF-style: chr4-151760884-C-T. GRCh37 (hg19) VCF-style: chr4-152682036-C-T.
Other names: c.99G>A, p.Gly33= (NM_001363341.2).
Identifiers: ClinVar variation 3057509 (VCV003057509.2), dbSNP rs768652138, ClinGen allele CA3106014.
Genomic context (GRCh38, chr4:151,760,884, plus strand): 5'-GGCCGTGTGGAGGGGCTGCTGAGCCACTGAGCTCTCTCCCCTAATCTGGTTGGATGTGGA[C>T]CCAGTCGGAGCCCCTCTTCGGTGGCAAGAACCACCGTCAACCCGGGCGAAAGCCCAACGT-3'
Protein context (NP_004555.1, residues 23-43): GSCHRRGAPT[Gly33=]STSNQIRGES

ClinVar aggregate classification (germline): Likely benign (0 of 4 stars; one submission).

Conditions:
GATB-related disorder. Also called: GATB-related condition.

Allele frequency attached by ClinVar (database versions not stated): TOPMed below 0.00001; ExAC 0.00001; gnomAD exomes 0.00001.
gnomAD v4.1: 3 of 1,614,066 alleles (0.00019%); highest among the groups gnomAD compares: Non-Finnish European, 0.00025%; no homozygotes.

Submission:

PreventionGenetics, part of Exact Sciences
Classification: Likely benign for GATB-related condition. Last evaluated: 2022-08-18. Review status: no assertion criteria provided. Collection method: clinical testing. Allele origin: germline.
Comment: This variant is classified as likely benign based on ACMG/AMP sequence variant interpretation guidelines (Richards et al. 2015 PMID: 25741868, with internal and published modifications).